The following is an entry in ClinVar:

NM_174936.4(PCSK9):c.1321G>T (p.Val441Leu)

Gene: PCSK9 (proprotein convertase subtilisin/kexin type 9; plus strand). Cytogenetic location: 1p32.3.
Variant type: single nucleotide variant.
Coding change: c.1321G>T on transcript NM_174936.4 (MANE Select); coding-DNA position 1321, G replaced by T.
Protein change: p.Val441Leu; replaces valine 441 with leucine.
Molecular consequence: missense variant. On other transcripts: non-coding transcript variant (5), intron variant (2).
Genome position (GRCh38, 1-based): chr1:55,058,176, G>T. VCF-style: chr1-55058176-G-T. GRCh37 (hg19) VCF-style: chr1-55523849-G-T.
Other names: c.1444G>T, p.Val482Leu (NM_001407240.1); c.1321G>T, p.Val441Leu (NM_001407241.1); c.1324G>T, p.Val442Leu (NM_001407242.1); c.1264G>T, p.Val422Leu (NM_001407243.1); c.1129G>T, p.Val377Leu (NM_001407245.1); c.946G>T, p.Val316Leu (NM_001407246.1); c.1181-323G>T (NM_001407244.1); c.1180+662G>T (NM_001407247.1); short protein forms V316L, V377L, V422L, V441L, V442L, V482L.
Identifiers: ClinVar variation 3229293 (VCV003229293.1), dbSNP rs2523260338, ClinGen allele CA340477544.

ClinVar aggregate classification (germline): Uncertain significance (1 of 4 stars; one submission).

Conditions:
Cardiovascular phenotype. Identifiers: MedGen CN230736.

gnomAD v4.1: 1 of 1,613,424 alleles (0.000062%); highest among the groups gnomAD compares: Non-Finnish European, 0.000085%; no homozygotes.

Submission:

Ambry Genetics
Classification: Uncertain significance for Cardiovascular phenotype. Last evaluated: 2024-03-04. Review status: criteria provided, single submitter. Criteria: Ambry Variant Classification Scheme 2023. Collection method: clinical testing. Allele origin: germline.
Comment: The p.V441L variant (also known as c.1321G>T), located in coding exon 8 of the PCSK9 gene, results from a G to T substitution at nucleotide position 1321. The valine at codon 441 is replaced by leucine, an amino acid with highly similar properties. This amino acid position is conserved. In addition, this alteration is predicted to be tolerated by in silico analysis. Based on the available evidence, the clinical significance of this alteration remains unclear.